The following is an entry in ClinVar:

NM_020207.7(ERCC6L2):c.1405A>G (p.Lys469Glu)

Gene: ERCC6L2 (ERCC excision repair 6 like 2; plus strand). Cytogenetic location: 9q22.32.
Variant type: single nucleotide variant.
Coding change: c.1405A>G on transcript NM_020207.7 (MANE Select); coding-DNA position 1405, A replaced by G.
Protein change: p.Lys469Glu; replaces lysine 469 with glutamic acid.
Molecular consequence: missense variant. On other transcripts: non-coding transcript variant (1).
Genome position (GRCh38, 1-based): chr9:95,922,410, A>G. VCF-style: chr9-95922410-A-G. GRCh37 (hg19) VCF-style: chr9-98684692-A-G.
Other names: c.1405A>G, p.Lys469Glu (NM_001010895.4, NM_001375291.1, NM_001375292.1 and 2 more transcripts); short protein forms K469E.
Identifiers: ClinVar variation 3509961 (VCV003509961.1).
Genomic context (GRCh38, chr9:95,922,410, plus strand): 5'-CTTACAGTCCTTCAGAAGGTAGCTAACCATGTCGCGCTACTGCAAGCTGCTAGTACTTCC[A>G]AACAACAGGTTTGGTTAGCATTTTACATTTCTTTGTGATGCTATTGTTGTGAATATTTTA-3'
Protein context (NP_064592.3, residues 459-479): VALLQAASTS[Lys469Glu]QQETLIKRIC

ClinVar aggregate classification (germline): Uncertain significance (1 of 4 stars; one submission).

Conditions:
Inborn genetic diseases. Identifiers: MedGen C0950123, MeSH D030342.

gnomAD v4.1: 2 of 1,598,410 alleles (0.00013%); highest among the groups gnomAD compares: African/African-American, 0.0027%; no homozygotes.

Submission:

Ambry Genetics
Classification: Uncertain significance for Inborn genetic diseases. Last evaluated: 2024-11-20. Review status: criteria provided, single submitter. Criteria: Ambry Variant Classification Scheme 2023. Collection method: clinical testing. Allele origin: germline.
Comment: The p.K469E variant (also known as c.1405A>G), located in coding exon 8 of the ERCC6L2 gene, results from an A to G substitution at nucleotide position 1405. The lysine at codon 469 is replaced by glutamic acid, an amino acid with similar properties. This amino acid position is conserved. In addition, this alteration is predicted to be tolerated by in silico analysis. Based on the available evidence, the clinical significance of this variant remains unclear.